The following is an entry in ClinVar:

ClinVar aggregate classification (germline): Likely benign. Review status: criteria provided, multiple submitters, no conflicts (2 of 4 stars). 2 submissions from 2 submitters: Likely benign (2). Last evaluated 2025-11-21.

Conditions:
NADSYN1-related disorder. Also called: NADSYN1-related condition.

gnomAD v4.1: 1,776 of 1,612,858 alleles (0.11%); highest among the groups gnomAD compares: Non-Finnish European, 0.14%; 2 homozygotes.

Submissions (2):

PreventionGenetics, part of Exact Sciences
Classification: Likely benign for NADSYN1-related condition. Last evaluated: 2025-11-21. Review status: criteria provided, single submitter. Criteria: ACMG Guidelines, 2015. Collection method: clinical testing. Allele origin: germline.
Comment: This variant is classified as likely benign based on ACMG/AMP sequence variant interpretation guidelines (Richards et al. 2015 PMID: 25741868, with internal and published modifications).

Blueprint Genetics
Classification: Likely benign. Last evaluated: 2024-11-08. Review status: criteria provided, single submitter. Criteria: ACMG Guidelines, 2015. Collection method: clinical testing. Allele origin: germline.

NM_018161.5(NADSYN1):c.1177A>G (p.Thr393Ala)

Gene: NADSYN1 (NAD synthetase 1; plus strand). Cytogenetic location: 11q13.4.
Variant type: single nucleotide variant.
Coding change: c.1177A>G on transcript NM_018161.5 (MANE Select); coding-DNA position 1177, A replaced by G.
Protein change: p.Thr393Ala; replaces threonine 393 with alanine.
Molecular consequence: missense variant.
Genome position (GRCh38, 1-based): chr11:71,482,875, A>G. VCF-style: chr11-71482875-A-G. GRCh37 (hg19) VCF-style: chr11-71193921-A-G.
Other names: c.1177A>G (NM_018161.4); short protein forms T393A.
Identifiers: ClinVar variation 4912937 (VCV004912937.2).